The following is an entry in ClinVar:

ClinVar aggregate classification (germline): Pathogenic (0 of 4 stars; one submission).

Conditions:
Maturity-onset diabetes of the young type 3. Also called: MODY type 3; MODY, type III. Identifiers: Orphanet 552, MedGen C1838100, MeSH C563933, MONDO:0010894, OMIM 600496. Disease mechanism: loss of function.

Submission:

Shanghai Diabetes Institute, Shanghai Sixth People's Hospital Affiliated to Shanghai Jiao Tong University School of Medicine
Classification: Pathogenic for Maturity-onset diabetes of the young type 3. Last evaluated: 2024-08-29. Review status: no assertion criteria provided. Collection method: case-control. Allele origin: germline. Affected: yes. Observed: 8 variant alleles.
Comment: In a large family with maturity-onset diabetes of the young (MODY), a heterozygous missense mutation in the HNF1A gene was detected: c.671C>A (p.P224H). All seven family members with early-onset diabetes carry this mutation, whereas those with a normal phenotype do not carry the mutation, demonstrating a complete genotype-phenotype correlation. Furthermore, almost all mutation carriers respond well to sulfonylurea treatment.

NM_000545.8(HNF1A):c.671C>A (p.Pro224His)

Gene: HNF1A (HNF1 homeobox A; plus strand). Cytogenetic location: 12q24.31.
Variant type: single nucleotide variant.
Coding change: c.671C>A on transcript NM_000545.8 (MANE Select); coding-DNA position 671, C replaced by A.
Protein change: p.Pro224His; replaces proline 224 with histidine.
Molecular consequence: missense variant.
Genome position (GRCh38, 1-based): chr12:120,993,664, C>A. VCF-style: chr12-120993664-C-A. GRCh37 (hg19) VCF-style: chr12-121431467-C-A.
Other names: c.671C>A, p.Pro224His (NM_001306179.2, NM_001406915.1); short protein forms P224H.
Identifiers: ClinVar variation 3338324 (VCV003338324.1).